The following is an entry in ClinVar:

NM_003705.5(SLC25A12):c.1794T>C (p.Tyr598=)

Gene: SLC25A12 (solute carrier family 25 member 12; minus strand). Cytogenetic location: 2q31.1.
Variant type: single nucleotide variant.
Coding change: c.1794T>C on transcript NM_003705.5 (MANE Select); coding-DNA position 1794, T replaced by C.
Protein change: p.Tyr598=; no amino-acid change (tyrosine 598 retained).
Molecular consequence: synonymous variant. On other transcripts: non-coding transcript variant (1).
Genome position (GRCh38, 1-based): chr2:171,787,612, A>G on the plus strand (T>C on the coding strand, the complement: SLC25A12 is on the minus strand). VCF-style: chr2-171787612-A-G. GRCh37 (hg19) VCF-style: chr2-172644122-A-G.
Identifiers: ClinVar variation 414024 (VCV000414024.21), dbSNP rs142891505, ClinGen allele CA1966031.

ClinVar aggregate classification (germline): Benign/Likely benign. Review status: criteria provided, multiple submitters, no conflicts (2 of 4 stars). 4 submissions from 4 submitters: Benign (2); Likely benign (1). 1 of the submissions does not count toward it. Last evaluated 2026-07-01.

Conditions:
SLC25A12-related disorder. Also called: SLC25A12-related condition.

Allele frequency attached by ClinVar (database versions not stated): gnomAD exomes 0.00021 and 0.00048; ExAC 0.00054; 1000 Genomes Project 30x 0.00156; gnomAD 0.00169 and 0.00175; 1000 Genomes Project 0.00180; TOPMed 0.00180; ESP Exome Variant Server 0.00261.
gnomAD v4.1: 601 of 1,614,202 alleles (0.037%); highest among the groups gnomAD compares: African/African-American, 0.61%; 3 homozygotes.

Submissions (4):

CeGaT Center for Human Genetics Tuebingen
Classification: Likely benign. Last evaluated: 2026-07-01. Review status: criteria provided, single submitter. Criteria: CeGaT Center For Human Genetics Tuebingen Variant Classification Criteria Version 2. Collection method: clinical testing. Allele origin: germline. Affected: yes. Observed: 2 variant alleles.
Comment: SLC25A12: BP4, BP7

Labcorp Genetics (formerly Invitae), Labcorp
Classification: Benign. Last evaluated: 2026-01-26. Review status: criteria provided, single submitter. Criteria: Invitae Variant Classification Sherloc (09022015). Collection method: clinical testing. Allele origin: germline.

Breakthrough Genomics
Classification: Benign. Review status: criteria provided, single submitter. Criteria: ACMG Guidelines, 2015. Collection method: not provided. Allele origin: germline. Inheritance: Autosomal recessive inheritance. Affected: yes.

PreventionGenetics, part of Exact Sciences
Classification: Benign for SLC25A12-related condition. Last evaluated: 2020-03-23. Review status: no assertion criteria provided. Collection method: clinical testing. Allele origin: germline. Not counted in ClinVar's aggregate classification.
Comment: This variant is classified as benign based on ACMG/AMP sequence variant interpretation guidelines (Richards et al. 2015 PMID: 25741868, with internal and published modifications).